The following is an entry in ClinVar:

ClinVar aggregate classification (germline): Uncertain significance. Review status: criteria provided, multiple submitters, no conflicts (2 of 4 stars). 2 submissions from 2 submitters: Uncertain significance (2). Last evaluated 2025-10-29.

Conditions:
Congenital sensory neuropathy with selective loss of small myelinated fibers (HSAN5). Also called: HSAN Type V. Identifiers: Orphanet 64752, MedGen C0020075, MONDO:0012092, OMIM 608654.
Inborn genetic diseases. Identifiers: MedGen C0950123, MeSH D030342.

Allele frequency attached by ClinVar (database versions not stated): gnomAD 0.00001; TOPMed 0.00003.
gnomAD v4.1: 51 of 1,614,086 alleles (0.0032%); highest among the groups gnomAD compares: Admixed American, 0.0067%; no homozygotes.

Submissions (2):

Ambry Genetics
Classification: Uncertain significance for Inborn genetic diseases. Last evaluated: 2025-10-29. Review status: criteria provided, single submitter. Criteria: Ambry Variant Classification Scheme 2023. Collection method: clinical testing. Allele origin: germline.

Labcorp Genetics (formerly Invitae), Labcorp
Classification: Uncertain significance for Congenital sensory neuropathy with selective loss of small myelinated fibers. Last evaluated: 2022-01-18. Review status: criteria provided, single submitter. Criteria: Invitae Variant Classification Sherloc (09022015). Collection method: clinical testing. Allele origin: germline.
Comment: This sequence change replaces arginine, which is basic and polar, with histidine, which is basic and polar, at codon 83 of the NGF protein (p.Arg83His). This variant is present in population databases (rs767272925, gnomAD 0.006%). This variant has not been reported in the literature in individuals affected with NGF-related conditions. Algorithms developed to predict the effect of missense changes on protein structure and function output the following: SIFT: "Tolerated"; PolyPhen-2: "Benign"; Align-GVGD: "Class C0". The histidine amino acid residue is found in multiple mammalian species, which suggests that this missense change does not adversely affect protein function. In summary, the available evidence is currently insufficient to determine the role of this variant in disease. Therefore, it has been classified as a Variant of Uncertain Significance.

NM_002506.3(NGF):c.248G>A (p.Arg83His)

Genes: NGF (nerve growth factor; minus strand), NGF-AS1 (NGF antisense RNA 1; plus strand). Cytogenetic location: 1p13.2.
Variant type: single nucleotide variant.
Coding change: c.248G>A on transcript NM_002506.3 (MANE Select); coding-DNA position 248, G replaced by A.
Protein change: p.Arg83His; replaces arginine 83 with histidine.
Molecular consequence: missense variant.
Genome position (GRCh38, 1-based): chr1:115,286,548, C>T on the plus strand (G>A on the coding strand, the complement: NGF is on the minus strand). VCF-style: chr1-115286548-C-T. GRCh37 (hg19) VCF-style: chr1-115829169-C-T.
Other names: short protein forms R83H.
Identifiers: ClinVar variation 1916647 (VCV001916647.5), dbSNP rs767272925, ClinGen allele CA1023011.